The following is an entry in ClinVar:

NM_000426.4(LAMA2):c.2264_2275del (p.Glu755_Cys759delinsGly)

Gene: LAMA2 (laminin subunit alpha 2; plus strand). Cytogenetic location: 6q22.33.
Variant type: Deletion.
Coding change: c.2264_2275del on transcript NM_000426.4 (MANE Select); coding-DNA positions 2264 to 2275, 12 bases deleted (AGCCATGTCAGT).
Protein change: p.Glu755_Cys759delinsGly.
Molecular consequence: inframe indel.
Genome position (GRCh38, 1-based): chr6:129,267,161-129,267,172, AGCCATGTCAGT deleted. VCF-style (leftmost placement, unchanged base first): chr6-129267160-GAGCCATGTCAGT-G. GRCh37 (hg19) VCF-style: chr6-129588305-GAGCCATGTCAGT-G.
Other names: c.2264_2275del, p.Glu755_Cys759delinsGly (NM_001079823.2).
Identifiers: ClinVar variation 1011515 (VCV001011515.10), dbSNP rs1307580344, ClinGen allele CA818857578.

ClinVar aggregate classification (germline): Conflicting classifications of pathogenicity. Review status: criteria provided, conflicting classifications (1 of 4 stars). 2 submissions from 2 submitters: Likely pathogenic (1); Uncertain significance (1). Last evaluated 2024-02-27.

Conditions:
Muscular dystrophy, limb-girdle, autosomal recessive 23. Identifiers: Orphanet 565837, MedGen C4748327, MONDO:0029136, OMIM 618138.
LAMA2-related muscular dystrophy (LAMA2-RD). Also called: Laminin alpha 2-related dystrophy. Identifiers: MedGen C5679788, MONDO:0100228.

Allele frequency attached by ClinVar (database versions not stated): gnomAD exomes below 0.00001; TOPMed below 0.00001; gnomAD 0.00001.

Submissions (2):

Service de Génétique Médicale, Centre Hospitalier Universitaire de Nice-Université Côte d'Azur
Classification: Likely pathogenic for Muscular dystrophy, limb-girdle, autosomal recessive 23. Last evaluated: 2024-02-27. Review status: criteria provided, single submitter. Criteria: ACMG Guidelines, 2015. Collection method: clinical testing. Allele origin: germline. Affected: yes.

Labcorp Genetics (formerly Invitae), Labcorp
Classification: Uncertain significance for LAMA2-related muscular dystrophy. Last evaluated: 2024-01-15. Review status: criteria provided, single submitter. Criteria: Invitae Variant Classification Sherloc (09022015). Collection method: clinical testing. Allele origin: germline.
Comment: This variant, c.2264_2275del, is a complex sequence change that results in the deletion of 5 and insertion of 1 amino acid(s) in the LAMA2 protein (p.Glu755_Cys759delinsGly). This variant is not present in population databases (gnomAD no frequency). This variant has not been reported in the literature in individuals affected with LAMA2-related conditions. ClinVar contains an entry for this variant (Variation ID: 1011515). Experimental studies and prediction algorithms are not available or were not evaluated, and the functional significance of this variant is currently unknown. In summary, the available evidence is currently insufficient to determine the role of this variant in disease. Therefore, it has been classified as a Variant of Uncertain Significance.

Literature cited by the submitters: PubMed 38703036 (cited by Service de Génétique Médicale, Centre Hospitalier Universitaire de Nice-Université Côte d'Azur).